The following is an entry in ClinVar:

NM_032977.4(CASP10):c.551del (p.Asn184fs)

Gene: CASP10 (caspase 10; plus strand). Cytogenetic location: 2q33.1.
Variant type: Deletion.
Coding change: c.551del on transcript NM_032977.4 (MANE Select); coding-DNA position 551, one base deleted (A; older notation c.551delA).
Protein change: p.Asn184fs; shifts the reading frame from asparagine 184.
Molecular consequence: frameshift variant.
Genome position (GRCh38, 1-based): chr2:201,193,093, A deleted; the last of 3 consecutive A bases (chr2:201,193,091-201,193,093); deleting any one gives the same sequence. VCF-style (leftmost placement, unchanged base first): chr2-201193090-GA-G. GRCh37 (hg19) VCF-style: chr2-202057813-GA-G.
Other names: c.551del, p.Asn184fs (NM_001206524.2, NM_001206542.2, NM_001230.5 and 3 more transcripts); short protein forms N184fs.
Identifiers: ClinVar variation 2158569 (VCV002158569.4), dbSNP rs1300439483, ClinGen allele CA538939771.

ClinVar aggregate classification (germline): Uncertain significance (1 of 4 stars; one submission).

Conditions:
Autoimmune lymphoproliferative syndrome type 2A (ALPS2A). Also called: CASP10-Related Autoimmune Lymphoproliferative Syndrome; AUTOIMMUNE LYMPHOPROLIFERATIVE SYNDROME, TYPE IIA; Autoimmune lymphoproliferative syndrome type 2. Identifiers: Orphanet 3261, MedGen C1858968, MONDO:0011383, OMIM 603909.

Submission:

Labcorp Genetics (formerly Invitae), Labcorp
Classification: Uncertain significance for Autoimmune lymphoproliferative syndrome type 2A. Last evaluated: 2023-09-01. Review status: criteria provided, single submitter. Criteria: Invitae Variant Classification Sherloc (09022015). Collection method: clinical testing. Allele origin: germline.
Comment: This sequence change creates a premature translational stop signal (p.Asn184Thrfs*2) in the CASP10 gene. It is expected to result in an absent or disrupted protein product. However, the current clinical and genetic evidence is not sufficient to establish whether loss-of-function variants in CASP10 cause disease. This variant is present in population databases (no rsID available, gnomAD 0.007%). This variant has not been reported in the literature in individuals affected with CASP10-related conditions. ClinVar contains an entry for this variant (Variation ID: 2158569). In summary, the available evidence is currently insufficient to determine the role of this variant in disease. Therefore, it has been classified as a Variant of Uncertain Significance.